The following is an entry in ClinVar:

NM_001734.5(C1S):c.842del (p.Lys281fs)

Gene: C1S (complement C1s; plus strand). Cytogenetic location: 12p13.31.
Variant type: Deletion.
Coding change: c.842del on transcript NM_001734.5 (MANE Select); coding-DNA position 842, one base deleted (A; older notation c.842delA).
Protein change: p.Lys281fs; shifts the reading frame from lysine 281.
Molecular consequence: frameshift variant.
Genome position (GRCh38, 1-based): chr12:7,065,941, A deleted; the last of 7 consecutive A bases (chr12:7,065,935-7,065,941); deleting any one gives the same sequence. VCF-style (leftmost placement, unchanged base first): chr12-7065934-CA-C. GRCh37 (hg19) VCF-style: chr12-7173238-CA-C.
Other names: c.341del, p.Lys114fs (NM_001346850.2); c.842del, p.Lys281fs (NM_201442.4); short protein forms K114fs, K281fs.
Identifiers: ClinVar variation 2787167 (VCV002787167.5), dbSNP rs781818365, ClinGen allele CA6423587.

ClinVar aggregate classification (germline): Conflicting classifications of pathogenicity. Review status: criteria provided, conflicting classifications (1 of 4 stars). 2 submissions from 2 submitters: Pathogenic (1); Uncertain significance (1). Last evaluated 2025-01-03.

Submissions (2):

Dasa
Classification: Uncertain significance. Last evaluated: 2025-01-03. Review status: criteria provided, single submitter. Criteria: DASA Assertion Criteria. Collection method: clinical testing. Allele origin: germline.
Comment: NM_001734.5(C1S):c.842del (p.Lys281Argfs*39) is a frameshift variant in C1S predicted to alter the reading frame and introduce a premature termination codon and is predicted to result in an absent or altered protein product. This variant is rare in population databases. The currently available literature and clinical evidence are not sufficient to establish a definitive association between this variant and the reported condition. Therefore, this variant is classified as a variant of uncertain significance.

Labcorp Genetics (formerly Invitae), Labcorp
Classification: Pathogenic. Last evaluated: 2023-03-19. Review status: criteria provided, single submitter. Criteria: Invitae Variant Classification Sherloc (09022015). Collection method: clinical testing. Allele origin: germline.
Comment: This sequence change creates a premature translational stop signal (p.Lys281Argfs*39) in the C1S gene. It is expected to result in an absent or disrupted protein product. Loss-of-function variants in C1S are known to be pathogenic (PMID: 18062908). The frequency data for this variant in the population databases is considered unreliable, as metrics indicate poor data quality at this position in the gnomAD database. This variant has not been reported in the literature in individuals affected with C1S-related conditions. For these reasons, this variant has been classified as Pathogenic.

Literature cited by the submitters: PubMed 18062908 (cited by Labcorp Genetics (formerly Invitae), Labcorp).